The following is an entry in ClinVar:

NM_199420.4(POLQ):c.2995G>A (p.Glu999Lys)

Gene: POLQ (DNA polymerase theta; minus strand). Cytogenetic location: 3q13.33.
Variant type: single nucleotide variant.
Coding change: c.2995G>A on transcript NM_199420.4 (MANE Select); coding-DNA position 2995, G replaced by A.
Protein change: p.Glu999Lys; replaces glutamic acid 999 with lysine.
Molecular consequence: missense variant.
Genome position (GRCh38, 1-based): chr3:121,489,936, C>T on the plus strand (G>A on the coding strand, the complement: POLQ is on the minus strand). VCF-style: chr3-121489936-C-T. GRCh37 (hg19) VCF-style: chr3-121208783-C-T.
Other names: short protein forms E999K.
Identifiers: ClinVar variation 1798567 (VCV001798567.2), dbSNP rs1368289680, ClinGen allele CA354103553.

ClinVar aggregate classification (germline): Uncertain significance (1 of 4 stars; one submission).

Allele frequency attached by ClinVar (database versions not stated): gnomAD exomes below 0.00001; gnomAD 0.00001; TOPMed 0.00001.
gnomAD v4.1: 3 of 1,579,806 alleles (0.00019%); highest among the groups gnomAD compares: African/African-American, 0.0041%; no homozygotes.

Submission:

Ambry Genetics
Classification: Uncertain significance. Last evaluated: 2024-03-20. Review status: criteria provided, single submitter. Criteria: Ambry Variant Classification Scheme 2023. Collection method: clinical testing. Allele origin: germline.
Comment: The p.E999K variant (also known as c.2995G>A), located in coding exon 16 of the POLQ gene, results from a G to A substitution at nucleotide position 2995. The glutamic acid at codon 999 is replaced by lysine, an amino acid with similar properties. This amino acid position is conserved. In addition, this alteration is predicted to be tolerated by in silico analysis. Since supporting evidence is limited at this time, the clinical significance of this alteration remains unclear.